The following is an entry in ClinVar:

NM_006944.3(SPP2):c.589T>C (p.Tyr197His)

Gene: SPP2 (secreted phosphoprotein 2; plus strand). Cytogenetic location: 2q37.1.
Variant type: single nucleotide variant.
Coding change: c.589T>C on transcript NM_006944.3 (MANE Select); coding-DNA position 589, T replaced by C.
Protein change: p.Tyr197His; replaces tyrosine 197 with histidine.
Molecular consequence: missense variant.
Genome position (GRCh38, 1-based): chr2:234,069,966, T>C. VCF-style: chr2-234069966-T-C. GRCh37 (hg19) VCF-style: chr2-234978610-T-C.
Other names: short protein forms Y197H.
Identifiers: ClinVar variation 1942150 (VCV001942150.5), dbSNP rs762122267, ClinGen allele CA2183273.

ClinVar aggregate classification (germline): Uncertain significance (1 of 4 stars; one submission).

Allele frequency attached by ClinVar (database versions not stated): gnomAD 0.00001.
gnomAD v4.1: 10 of 1,613,386 alleles (0.00062%); highest among the groups gnomAD compares: South Asian, 0.0066%; no homozygotes.

Submission:

Labcorp Genetics (formerly Invitae), Labcorp
Classification: Uncertain significance. Last evaluated: 2021-12-15. Review status: criteria provided, single submitter. Criteria: Invitae Variant Classification Sherloc (09022015). Collection method: clinical testing. Allele origin: germline.
Comment: Algorithms developed to predict the effect of missense changes on protein structure and function output the following: SIFT: "Tolerated"; PolyPhen-2: "Benign"; Align-GVGD: "Class C0". The histidine amino acid residue is found in multiple mammalian species, which suggests that this missense change does not adversely affect protein function. This variant has not been reported in the literature in individuals affected with SPP2-related conditions. This variant is present in population databases (rs762122267, gnomAD 0.01%). This sequence change replaces tyrosine, which is neutral and polar, with histidine, which is basic and polar, at codon 197 of the SPP2 protein (p.Tyr197His). In summary, the available evidence is currently insufficient to determine the role of this variant in disease. Therefore, it has been classified as a Variant of Uncertain Significance.